The following is an entry in ClinVar:

NM_000135.4(FANCA):c.3491C>G (p.Pro1164Arg)

Gene: FANCA (FA complementation group A; minus strand). Cytogenetic location: 16q24.3.
Variant type: single nucleotide variant.
Coding change: c.3491C>G on transcript NM_000135.4 (MANE Select); coding-DNA position 3491, C replaced by G.
Protein change: p.Pro1164Arg; replaces proline 1164 with arginine.
Molecular consequence: missense variant.
Genome position (GRCh38, 1-based): chr16:89,746,606, G>C on the plus strand (C>G on the coding strand, the complement: FANCA is on the minus strand). VCF-style: chr16-89746606-G-C. GRCh37 (hg19) VCF-style: chr16-89813014-G-C.
Other names: c.3491C>G, p.Pro1164Arg (NM_001286167.3); short protein forms P1164R.
Identifiers: ClinVar variation 3233944 (VCV003233944.3), dbSNP rs2038399117, ClinGen allele CA397485859.
Genomic context (GRCh38, chr16:89,746,606, plus strand): 5'-TCCCCAAAACAAAACACCAAACAAGACAGCTGACCCACCAGAGCAGAGGTCAAAATTAAG[G>C]GGCATTTCGTCTGGCACTTGGCCAGTATGAAGTCGACCATCAGGGAGGGGTCTCTGCTCC-3'
Protein context (NP_000126.2, residues 1154-1174): FILAKCQTKC[Pro1164Arg]LILTSALVWW

ClinVar aggregate classification (germline): Conflicting classifications of pathogenicity. Review status: criteria provided, conflicting classifications (1 of 4 stars). 2 submissions from 2 submitters: Likely pathogenic (1); Uncertain significance (1). Last evaluated 2024-03-18.

Conditions:
Fanconi anemia complementation group A (FANCA). Also called: Fanconi anemia, group A; FANCA-Related Fanconi Anemia. Identifiers: Orphanet 84, MedGen C3469521, MONDO:0009215, OMIM 227650.

Submissions (2):

Fulgent Genetics
Classification: Likely pathogenic for Fanconi anemia complementation group A. Last evaluated: 2024-03-18. Review status: criteria provided, single submitter. Criteria: ACMG Guidelines, 2015. Collection method: clinical testing. Allele origin: germline.

Women's Health and Genetics/Laboratory Corporation of America, LabCorp
Classification: Uncertain significance. Last evaluated: 2024-03-14. Review status: criteria provided, single submitter. Criteria: LabCorp Variant Classification Summary - May 2015. Collection method: clinical testing. Allele origin: germline.
Comment: Variant summary: FANCA c.3491C>G (p.Pro1164Arg) results in a non-conservative amino acid change in the encoded protein sequence. Five of five in-silico tools predict a damaging effect of the variant on protein function. The variant was absent in 251432 control chromosomes. The available data on variant occurrences in the general population are insufficient to allow any conclusion about variant significance. To our knowledge, no occurrence of c.3491C>G in individuals affected with Fanconi Anemia and no experimental evidence demonstrating its impact on protein function have been reported. In addition, at least one variant at the Pro1164 residue has been reported as Likely Pathogenic in ClinVar (p.Pro1164Leu), suggesting that this codon might be functionally important. No submitters have cited clinical-significance assessments for this variant to ClinVar. Based on the evidence outlined above, the variant was classified as uncertain significance.